The following is an entry in ClinVar:

NM_014844.5(TECPR2):c.1216C>T (p.Pro406Ser)

Gene: TECPR2 (tectonin beta-propeller repeat containing 2; plus strand). Cytogenetic location: 14q32.31.
Variant type: single nucleotide variant.
Coding change: c.1216C>T on transcript NM_014844.5 (MANE Select); coding-DNA position 1216, C replaced by T.
Protein change: p.Pro406Ser; replaces proline 406 with serine.
Molecular consequence: missense variant.
Genome position (GRCh38, 1-based): chr14:102,431,927, C>T. VCF-style: chr14-102431927-C-T. GRCh37 (hg19) VCF-style: chr14-102898264-C-T.
Other names: c.1216C>T, p.Pro406Ser (NM_001172631.3); short protein forms P406S.
Identifiers: ClinVar variation 2135570 (VCV002135570.4), dbSNP rs2139726858, ClinGen allele CA391054898.

ClinVar aggregate classification (germline): Uncertain significance (1 of 4 stars; one submission).

Conditions:
Hereditary spastic paraplegia 49 (HSAN9). Also called: Spastic paraplegia 49, autosomal recessive; TECPR2-Related Hereditary Sensory and Autonomic Neuropathy with Intellectual Disability; NEUROPATHY, HEREDITARY SENSORY AND AUTONOMIC, TYPE IX, WITH DEVELOPMENTAL DELAY. Identifiers: Orphanet 320385, MedGen C5190860, MONDO:0014016, OMIM 615031.

Submission:

Labcorp Genetics (formerly Invitae), Labcorp
Classification: Uncertain significance for Hereditary spastic paraplegia 49. Last evaluated: 2024-02-24. Review status: criteria provided, single submitter. Criteria: Invitae Variant Classification Sherloc (09022015). Collection method: clinical testing. Allele origin: germline.
Comment: This sequence change replaces proline, which is neutral and non-polar, with serine, which is neutral and polar, at codon 406 of the TECPR2 protein (p.Pro406Ser). This variant is not present in population databases (gnomAD no frequency). This variant has not been reported in the literature in individuals affected with TECPR2-related conditions. ClinVar contains an entry for this variant (Variation ID: 2135570). Algorithms developed to predict the effect of missense changes on protein structure and function output the following: SIFT: "Not Available"; PolyPhen-2: "Benign"; Align-GVGD: "Not Available". The serine amino acid residue is found in multiple mammalian species, which suggests that this missense change does not adversely affect protein function. In summary, the available evidence is currently insufficient to determine the role of this variant in disease. Therefore, it has been classified as a Variant of Uncertain Significance.